The following is an entry in ClinVar:

NM_013391.3(DMGDH):c.2250+9A>G

Gene: DMGDH (dimethylglycine dehydrogenase; minus strand). Cytogenetic location: 5q14.1.
Variant type: single nucleotide variant.
Coding change: c.2250+9A>G on transcript NM_013391.3 (MANE Select); 9 bases into the intron after coding-DNA position 2250, A replaced by G.
Molecular consequence: intron variant.
Genome position (GRCh38, 1-based): chr5:79,024,262, T>C on the plus strand (A>G on the coding strand, the complement: DMGDH is on the minus strand). VCF-style: chr5-79024262-T-C. GRCh37 (hg19) VCF-style: chr5-78320085-T-C.
Other names: p.?.
Identifiers: ClinVar variation 380020 (VCV000380020.5), dbSNP rs2303128, ClinGen allele CA3318502.

ClinVar aggregate classification (germline): Benign. Review status: criteria provided, multiple submitters, no conflicts (2 of 4 stars). 4 submissions from 4 submitters: Benign (3). 1 of the submissions does not count toward it. Last evaluated 2021-04-07.

Conditions:
DMGDH-related disorder. Also called: DMGDH-related condition.

Allele frequency attached by ClinVar (database versions not stated): gnomAD exomes 0.04839 and 0.02880; gnomAD 0.06661 and 0.06809; ESP Exome Variant Server 0.07055; TOPMed 0.07396; ExAC 0.05226; 1000 Genomes Project 0.11102; 1000 Genomes Project 30x 0.11352.
gnomAD v4.1: 53,437 of 1,611,258 alleles (3.3%); highest among the groups gnomAD compares: African/African-American, 18%; 2,877 homozygotes.

Submissions (4):

Mayo Clinic Laboratories, Mayo Clinic
Classification: Benign. Last evaluated: 2021-04-07. Review status: criteria provided, single submitter. Criteria: ACMG Guidelines, 2015. Collection method: clinical testing. Allele origin: germline. Observed: 1 variant allele.

GeneDx
Classification: Benign. Last evaluated: 2015-12-10. Review status: criteria provided, single submitter. Criteria: GeneDx Variant Classification (06012015). Collection method: clinical testing. Allele origin: germline. Affected: yes.
Comment: This variant is considered likely benign or benign based on one or more of the following criteria: it is a conservative change, it occurs at a poorly conserved position in the protein, it is predicted to be benign by multiple in silico algorithms, and/or has population frequency not consistent with disease.

Breakthrough Genomics
Classification: Benign. Review status: criteria provided, single submitter. Criteria: ACMG Guidelines, 2015. Collection method: not provided. Allele origin: germline. Inheritance: Autosomal recessive inheritance. Affected: yes.

PreventionGenetics, part of Exact Sciences
Classification: Benign for DMGDH-related condition. Last evaluated: 2019-12-18. Review status: no assertion criteria provided. Collection method: clinical testing. Allele origin: germline. Not counted in ClinVar's aggregate classification.
Comment: This variant is classified as benign based on ACMG/AMP sequence variant interpretation guidelines (Richards et al. 2015 PMID: 25741868, with internal and published modifications).